The following is an entry in ClinVar:

NM_172107.4(KCNQ2):c.662T>C (p.Leu221Pro)

Gene: KCNQ2 (potassium voltage-gated channel subfamily Q member 2; minus strand). Cytogenetic location: 20q13.33.
Variant type: single nucleotide variant.
Coding change: c.662T>C on transcript NM_172107.4 (MANE Select); coding-DNA position 662, T replaced by C.
Protein change: p.Leu221Pro; replaces leucine 221 with proline.
Molecular consequence: missense variant.
Genome position (GRCh38, 1-based): chr20:63,444,687, A>G on the plus strand (T>C on the coding strand, the complement: KCNQ2 is on the minus strand). VCF-style: chr20-63444687-A-G. GRCh37 (hg19) VCF-style: chr20-62076040-A-G.
Other names: c.662T>C, p.Leu221Pro (NM_001382235.1, NM_004518.6, NM_172106.3 and 2 more transcripts); c.662T>C (NM_172107.2); short protein forms L221P.
Identifiers: ClinVar variation 3336897 (VCV003336897.2).

ClinVar aggregate classification (germline): Conflicting classifications of pathogenicity. Review status: criteria provided, conflicting classifications (1 of 4 stars). 2 submissions from 2 submitters: Likely pathogenic (1); Uncertain significance (1). Last evaluated 2026-02-12.

Submissions (2):

GeneDx
Classification: Uncertain significance. Last evaluated: 2026-02-12. Review status: criteria provided, single submitter. Criteria: GeneDx Variant Classification Process June 2021. Collection method: clinical testing. Allele origin: germline.
Comment: This substitution is predicted to be within the intracellular loop between the S4 and S5 transmembrane segments; Not observed at significant frequency in large population cohorts (gnomAD); In silico analysis supports that this missense variant has a deleterious effect on protein structure/function; Has not been previously published as pathogenic or benign to our knowledge

Clinical Genetics Laboratory, Skane University Hospital Lund
Classification: Likely pathogenic. Last evaluated: 2022-05-27. Review status: criteria provided, single submitter. Criteria: ACMG Guidelines, 2015. Collection method: clinical testing. Allele origin: germline. Affected: yes.